The following is an entry in ClinVar:

NM_001352754.2(ARMC9):c.1194del (p.Phe398fs)

Gene: ARMC9 (armadillo repeat containing 9; plus strand). Cytogenetic location: 2q37.1.
Variant type: Deletion.
Coding change: c.1194del on transcript NM_001352754.2 (MANE Select); coding-DNA position 1194, one base deleted (T; older notation c.1194delT).
Protein change: p.Phe398fs; shifts the reading frame from phenylalanine 398.
Molecular consequence: frameshift variant. On other transcripts: non-coding transcript variant (1).
Genome position (GRCh38, 1-based): chr2:231,271,056, T deleted; the last of 4 consecutive T bases (chr2:231,271,053-231,271,056); deleting any one gives the same sequence. VCF-style (leftmost placement, unchanged base first): chr2-231271052-CT-C. GRCh37 (hg19) VCF-style: chr2-232135765-CT-C.
Other names: c.1194del, p.Phe398fs (NM_001271466.4, NM_001291656.2, NM_001352755.2 and 3 more transcripts); c.1095del, p.Phe365fs (NM_001352757.2, NM_001352758.2); short protein forms F365fs, F398fs.
Identifiers: ClinVar variation 4845592 (VCV004845592.1).

ClinVar aggregate classification (germline): Likely pathogenic (1 of 4 stars; one submission).

Conditions:
Joubert syndrome 30. Identifiers: MedGen C4539937, MONDO:0033308, OMIM 617622.

Submission:

Greenwood Genetic Center Diagnostic Laboratories, Greenwood Genetic Center
Classification: Likely pathogenic for Joubert syndrome 30. Last evaluated: 2025-10-23. Review status: criteria provided, single submitter. Criteria: ACMG Guidelines, 2015. Collection method: clinical testing. Allele origin: germline. Affected: yes.
Comment: PVS1, PM2